The following is an entry in ClinVar:

ClinVar aggregate classification (germline): Uncertain significance (1 of 4 stars; one submission).

Conditions:
Hereditary cancer-predisposing syndrome. Also called: Neoplastic Syndromes, Hereditary; Tumor predisposition; Hereditary neoplastic syndrome; Hereditary Cancer Syndrome. Identifiers: Orphanet 140162, MedGen C0027672, MeSH D009386, MONDO:0015356.

Submission:

Ambry Genetics
Classification: Uncertain significance for Hereditary cancer-predisposing syndrome. Last evaluated: 2026-07-26. Review status: criteria provided, single submitter. Criteria: Ambry Variant Classification Scheme 2023. Collection method: clinical testing. Allele origin: germline.
Comment: The p.S480C variant (also known as c.1439C>G), located in coding exon 9 of the KIT gene, results from a C to G substitution at nucleotide position 1439. The serine at codon 480 is replaced by cysteine, an amino acid with dissimilar properties. This amino acid position is conserved. In addition, this alteration is predicted to be tolerated by in silico analysis. Based on the available evidence, the clinical significance of this variant remains unclear.

NM_000222.3(KIT):c.1439C>G (p.Ser480Cys)

Gene: KIT (KIT proto-oncogene, receptor tyrosine kinase; plus strand). Cytogenetic location: 4q12.
Variant type: single nucleotide variant.
Coding change: c.1439C>G on transcript NM_000222.3 (MANE Select); coding-DNA position 1439, C replaced by G.
Protein change: p.Ser480Cys; replaces serine 480 with cysteine.
Molecular consequence: missense variant.
Genome position (GRCh38, 1-based): chr4:54,725,949, C>G. VCF-style: chr4-54725949-C-G. GRCh37 (hg19) VCF-style: chr4-55592115-C-G.
Other names: c.1439C>G, p.Ser480Cys (NM_001093772.2, NM_001385285.1, NM_001385286.1); c.1442C>G, p.Ser481Cys (NM_001385284.1, NM_001385288.1, NM_001385290.1 and 1 more transcripts); short protein forms S481C, S480C.
Identifiers: ClinVar variation 5023329 (VCV005023329.1).